The following is an entry in ClinVar:

ClinVar aggregate classification (germline): Pathogenic/Likely pathogenic. Review status: criteria provided, multiple submitters, no conflicts (2 of 4 stars). 2 submissions from 2 submitters: Pathogenic (1); Likely pathogenic (1). Last evaluated 2022-08-16.

Conditions:
KIZ-related disorder. Also called: KIZ-related condition.

Submissions (2):

Labcorp Genetics (formerly Invitae), Labcorp
Classification: Pathogenic. Last evaluated: 2022-08-16. Review status: criteria provided, single submitter. Criteria: Invitae Variant Classification Sherloc (09022015). Collection method: clinical testing. Allele origin: germline.
Comment: This variant has not been reported in the literature in individuals affected with KIZ-related conditions. For these reasons, this variant has been classified as Pathogenic. ClinVar contains an entry for this variant (Variation ID: 1366725). This variant is present in population databases (rs754100363, gnomAD 0.04%). This sequence change creates a premature translational stop signal (p.Asn223Ilefs*6) in the KIZ gene. It is expected to result in an absent or disrupted protein product. Loss-of-function variants in KIZ are known to be pathogenic (PMID: 24680887, 29057815).

Blueprint Genetics
Classification: Likely pathogenic for KIZ-related disorders. Last evaluated: 2021-05-11. Review status: criteria provided, single submitter. Criteria: ACMG Guidelines, 2015. Collection method: clinical testing. Allele origin: germline. Affected: yes. Observed: 1 variant allele.

Literature cited by the submitters: PubMed 24680887 (cited by Labcorp Genetics (formerly Invitae), Labcorp); PubMed 29057815 (cited by Labcorp Genetics (formerly Invitae), Labcorp).

NM_018474.6(KIZ):c.668_684del (p.Asn223fs)

Gene: KIZ (kizuna centrosomal protein; plus strand). Cytogenetic location: 20p11.23.
Variant type: Deletion.
Coding change: c.668_684del on transcript NM_018474.6 (MANE Select); coding-DNA positions 668 to 684, 17 bases deleted (ACATAGATGGAAAGGCA).
Protein change: p.Asn223fs; shifts the reading frame from asparagine 223.
Molecular consequence: frameshift variant.
Genome position (GRCh38, 1-based): chr20:21,162,133-21,162,149, ACATAGATGGAAAGGCA deleted; deleting any 17 consecutive bases within chr20:21,162,131-21,162,149 gives the same sequence; the c. name uses the placement nearest the transcript's 3' end. VCF-style (leftmost placement, unchanged base first): chr20-21162130-ACAACATAGATGGAAAGG-A. GRCh37 (hg19) VCF-style: chr20-21142771-ACAACATAGATGGAAAGG-A.
Other names: c.359_375del, p.Asn120fs (NM_001163022.3, NM_001352435.2); c.269_285del, p.Asn90fs (NM_001163023.3); c.521_537del, p.Asn174fs (NM_001276389.2); c.668_684del, p.Asn223fs (NM_001352434.2); c.326_342del, p.Asn109fs (NM_001352436.2); short protein forms N223fs, N90fs, N120fs, N174fs, N109fs.
Identifiers: ClinVar variation 1366725 (VCV001366725.7), dbSNP rs754100363, ClinGen allele CA9784689.